The following is an entry in ClinVar:

NM_004168.4(SDHA):c.1396G>T (p.Ala466Ser)

Gene: SDHA (succinate dehydrogenase complex flavoprotein subunit A; plus strand). Cytogenetic location: 5p15.33.
Variant type: single nucleotide variant.
Coding change: c.1396G>T on transcript NM_004168.4 (MANE Select); coding-DNA position 1396, G replaced by T.
Protein change: p.Ala466Ser; replaces alanine 466 with serine.
Molecular consequence: missense variant.
Genome position (GRCh38, 1-based): chr5:236,563, G>T. VCF-style: chr5-236563-G-T. GRCh37 (hg19) VCF-style: chr5-236678-G-T.
Other names: c.1396G>T (NM_004168.2); c.1252G>T, p.Ala418Ser (NM_001294332.2); c.1396G>T, p.Ala466Ser (NM_001330758.2); short protein forms A466S, A418S.
Identifiers: ClinVar variation 472328 (VCV000472328.12), dbSNP rs111387770, ClinGen allele CA359014067.
Genomic context (GRCh38, chr5:236,563, plus strand): 5'-GTACATGGTGCCAACCGCCTCGGGGCAAACTCGCTCTTGGACCTGGTTGTCTTTGGTCGG[G>T]CATGTGCCCTGAGCATCGAAGAGTCATGCAGGCCTGGTAAGTGTTTTCTTCAGGAGCCAG-3'
Protein context (NP_004159.2, residues 456-476): SLLDLVVFGR[Ala466Ser]CALSIEESCR

ClinVar aggregate classification (germline): Uncertain significance. Review status: criteria provided, multiple submitters, no conflicts (2 of 4 stars). 2 submissions from 2 submitters: Uncertain significance (2). Last evaluated 2025-07-24.

Conditions:
Mitochondrial complex II deficiency, nuclear type 1. Also called: SUCCINATE CoQ REDUCTASE DEFICIENCY. Identifiers: Orphanet 3208, MedGen C5700310, MONDO:0100294, OMIM 252011.
Pheochromocytoma/paraganglioma syndrome 5. Also called: Paragangliomas 5; SDHA-Related Hereditary Paraganglioma-Pheochromocytoma Syndrome. Identifiers: Orphanet 29072, MedGen C3279992, MONDO:0013602, OMIM 614165.
Hereditary cancer-predisposing syndrome. Also called: Neoplastic Syndromes, Hereditary; Hereditary Cancer Syndrome; Hereditary neoplastic syndrome; Tumor predisposition. Identifiers: Orphanet 140162, MedGen C0027672, MeSH D009386, MONDO:0015356.

Submissions (2):

Ambry Genetics
Classification: Uncertain significance for Hereditary cancer-predisposing syndrome. Last evaluated: 2025-07-24. Review status: criteria provided, single submitter. Criteria: Ambry Variant Classification Scheme 2023. Collection method: clinical testing. Allele origin: germline.
Comment: The p.A466S variant (also known as c.1396G>T), located in coding exon 10 of the SDHA gene, results from a G to T substitution at nucleotide position 1396. The alanine at codon 466 is replaced by serine, an amino acid with similar properties. This amino acid position is highly conserved in available vertebrate species. In addition, the in silico prediction for this alteration is inconclusive. Based on the available evidence, the clinical significance of this variant remains unclear.

Labcorp Genetics (formerly Invitae), Labcorp
Classification: Uncertain significance for Pheochromocytoma/paraganglioma syndrome 5; Mitochondrial complex II deficiency, nuclear type 1. Last evaluated: 2022-04-15. Review status: criteria provided, single submitter. Criteria: Invitae Variant Classification Sherloc (09022015). Collection method: clinical testing. Allele origin: germline.
Comment: This variant is not present in population databases (gnomAD no frequency). In summary, the available evidence is currently insufficient to determine the role of this variant in disease. Therefore, it has been classified as a Variant of Uncertain Significance. Advanced modeling of protein sequence and biophysical properties (such as structural, functional, and spatial information, amino acid conservation, physicochemical variation, residue mobility, and thermodynamic stability) performed at Invitae indicates that this missense variant is not expected to disrupt SDHA protein function. ClinVar contains an entry for this variant (Variation ID: 472328). This variant has not been reported in the literature in individuals affected with SDHA-related conditions. This sequence change replaces alanine, which is neutral and non-polar, with serine, which is neutral and polar, at codon 466 of the SDHA protein (p.Ala466Ser).